The following is an entry in ClinVar:

NM_001267550.2(TTN):c.24865G>T (p.Gly8289Ter)

Gene: TTN (titin; minus strand). Cytogenetic location: 2q31.2.
Variant type: single nucleotide variant.
Coding change: c.24865G>T on transcript NM_001267550.2 (MANE Select); coding-DNA position 24865, G replaced by T.
Protein change: p.Gly8289Ter; replaces glycine 8289 with a stop codon.
Molecular consequence: nonsense. On other transcripts: intron variant (3).
Genome position (GRCh38, 1-based): chr2:178,718,141, C>A on the plus strand (G>T on the coding strand, the complement: TTN is on the minus strand). VCF-style: chr2-178718141-C-A. GRCh37 (hg19) VCF-style: chr2-179582868-C-A.
Other names: c.23914G>T, p.Gly7972Ter (NM_001256850.1); c.21133G>T, p.Gly7045Ter (NM_133378.4); c.13282+19941G>T (NM_003319.4); c.13858+19941G>T (NM_133437.4); c.13657+19941G>T (NM_133432.3); short protein forms G8289*, G7972*, G7045*.
Identifiers: ClinVar variation 654865 (VCV000654865.9), dbSNP rs1577954678, ClinGen allele CA349495572.

ClinVar aggregate classification (germline): Likely pathogenic (1 of 4 stars; one submission).

Conditions:
Dilated cardiomyopathy 1G (CMD1G). Identifiers: Orphanet 154, MedGen C1858763, MONDO:0011400, OMIM 604145.
Autosomal recessive limb-girdle muscular dystrophy type 2J (LGMDR10). Also called: Limb-girdle muscular dystrophy, type 2J; MUSCULAR DYSTROPHY, LIMB-GIRDLE, AUTOSOMAL RECESSIVE 10. Identifiers: Orphanet 140922, MedGen C1837342, MONDO:0012127, OMIM 608807.

Submission:

Labcorp Genetics (formerly Invitae), Labcorp
Classification: Likely pathogenic for Dilated cardiomyopathy 1G; Autosomal recessive limb-girdle muscular dystrophy type 2J. Last evaluated: 2024-10-18. Review status: criteria provided, single submitter. Criteria: Invitae Variant Classification Sherloc (09022015). Collection method: clinical testing. Allele origin: germline.
Comment: This sequence change creates a premature translational stop signal (p.Gly8289*) in the TTN gene. While this is not anticipated to result in nonsense mediated decay, it is expected to create a truncated TTN protein. This variant is not present in population databases (gnomAD no frequency). This variant has not been reported in the literature in individuals affected with TTN-related conditions. ClinVar contains an entry for this variant (Variation ID: 654865). This variant is located in the I band of TTN (PMID: 25589632). Truncating variants in this region have been reported in individuals affected with autosomal recessive centronuclear myopathy (PMID: 23975875, internal data). Truncating variants in this region have also been identified in individuals affected with autosomal dominant dilated cardiomyopathy and/or cardio-related conditions (PMID: 27869827, 32964742, internal data). In summary, the currently available evidence indicates that the variant is pathogenic, but additional data are needed to prove that conclusively. Therefore, this variant has been classified as Likely Pathogenic.

Literature cited by the submitters: PubMed 25589632; PubMed 23975875; PubMed 27869827; PubMed 32964742.